The following is an entry in ClinVar:

NM_000282.4(PCCA):c.1812_1815del (p.Val605fs)

Gene: PCCA (propionyl-CoA carboxylase subunit alpha; plus strand). Cytogenetic location: 13q32.3.
Variant type: Microsatellite.
Coding change: c.1812_1815del on transcript NM_000282.4 (MANE Select); coding-DNA positions 1812 to 1815, 4 bases deleted (TGTC; older notation c.1812_1815delTGTC).
Protein change: p.Val605fs; shifts the reading frame from valine 605.
Molecular consequence: frameshift variant. On other transcripts: non-coding transcript variant (5).
Genome position (GRCh38, 1-based): chr13:100,425,698-100,425,701, TGTC deleted; deleting any 4 consecutive bases within chr13:100,425,694-100,425,701 gives the same sequence; the c. name uses the placement nearest the transcript's 3' end. VCF-style (leftmost placement, unchanged base first): chr13-100425693-TTGTC-T. GRCh37 (hg19) VCF-style: chr13-101077947-TTGTC-T.
Other names: c.1812_1815delTGTC (NM_000282.3); c.1734_1737del, p.Val579fs (NM_001127692.3, NM_001352607.2); c.1812_1815del, p.Val605fs (NM_001178004.2, NM_001352605.2, NM_001352609.2); c.1668_1671del, p.Val557fs (NM_001352606.2); c.1590_1593del, p.Val531fs (NM_001352608.2); c.867_870del, p.Val290fs (NM_001352610.2, NM_001352611.2); c.723_726del, p.Val242fs (NM_001352612.2); short protein forms V242fs, V290fs, V531fs, V557fs, V579fs, V605fs.
Identifiers: ClinVar variation 1726191 (VCV001726191.5), dbSNP rs761625006, ClinGen allele CA7033790.

ClinVar aggregate classification (germline): Pathogenic/Likely pathogenic. Review status: criteria provided, multiple submitters, no conflicts (2 of 4 stars). 3 submissions from 3 submitters: Pathogenic (1); Likely pathogenic (2). Last evaluated 2025-10-07.

Conditions:
Propionic acidemia (PROP). Also called: GLYCINEMIA, KETOTIC; HYPERGLYCINEMIA WITH KETOACIDOSIS AND LEUKOPENIA; KETOTIC HYPERGLYCINEMIA. Identifiers: Orphanet 35, MedGen C0268579, MONDO:0011628, OMIM 606054, HP:0003571.

Submissions (3):

Natera, Inc.
Classification: Likely pathogenic for Propionic acidemia. Last evaluated: 2025-10-07. Review status: criteria provided, single submitter. Criteria: Natera Variant Classification Schema (03/2026). Collection method: clinical testing. Allele origin: germline.
Comment: The c.1812_1815delTGTC variant in PCCA is a frameshift variant predicted to shift the reading frame beginning at codon 605 and leads to a stop codon 20 codons downstream. This variant is expected to result in nonsense mediated decay, truncation, or a dysfunctional protein product. This variant is rare in the general population with a frequency below the threshold expected for the associated phenotype(s). Given the available evidence, this variant is classified as Likely Pathogenic.

Labcorp Genetics (formerly Invitae), Labcorp
Classification: Pathogenic for Propionic acidemia. Last evaluated: 2024-12-03. Review status: criteria provided, single submitter. Criteria: Invitae Variant Classification Sherloc (09022015). Collection method: clinical testing. Allele origin: germline.
Comment: This sequence change creates a premature translational stop signal (p.Val605Alafs*20) in the PCCA gene. It is expected to result in an absent or disrupted protein product. Loss-of-function variants in PCCA are known to be pathogenic (PMID: 15464417). This variant is present in population databases (rs761625006, gnomAD 0.0009%). This variant has not been reported in the literature in individuals affected with PCCA-related conditions. For these reasons, this variant has been classified as Pathogenic.

Myriad Genetics, Inc.
Classification: Likely pathogenic for Propionic acidemia. Last evaluated: 2022-05-21. Review status: criteria provided, single submitter. Criteria: Myriad Women's Health Autosomal Recessive and X-Linked Classification Criteria (2021). Collection method: clinical testing. Allele origin: unknown.
Comment: NM_000282.3(PCCA):c.1812_1815delTGTC(V605Afs*20) is expected to be pathogenic in the context of PCCA-related propionic acidemia. This variant is predicted to lead to an abnormal or absent protein product due to the creation of a premature termination codon in PCCA, a gene where loss-of-function variants are known to be pathogenic. Please note: this variant was assessed in the context of healthy population screening.

Literature cited by the submitters: PubMed 15464417 (cited by Labcorp Genetics (formerly Invitae), Labcorp).